The following is an entry in ClinVar:

NM_000478.6(ALPL):c.882C>T (p.Asp294=)

Gene: ALPL (alkaline phosphatase, biomineralization associated; plus strand). Cytogenetic location: 1p36.12.
Variant type: single nucleotide variant.
Coding change: c.882C>T on transcript NM_000478.6 (MANE Select); coding-DNA position 882, C replaced by T.
Protein change: p.Asp294=; no amino-acid change (aspartic acid 294 retained).
Molecular consequence: synonymous variant.
Genome position (GRCh38, 1-based): chr1:21,573,684, C>T. VCF-style: chr1-21573684-C-T. GRCh37 (hg19) VCF-style: chr1-21900177-C-T.
Other names: c.717C>T, p.Asp239= (NM_001127501.4); c.651C>T, p.Asp217= (NM_001177520.3); c.882C>T, p.Asp294= (NM_001369803.2, NM_001369804.2, NM_001369805.2).
Identifiers: ClinVar variation 1148574 (VCV001148574.16), dbSNP rs1366524140, ClinGen allele CA416532406.

ClinVar aggregate classification (germline): Conflicting classifications of pathogenicity. Review status: criteria provided, conflicting classifications (1 of 4 stars). 3 submissions from 3 submitters: Likely pathogenic (1); Likely benign (2). Last evaluated 2025-12-10.

Conditions:
ALPL-related disorder. Also called: ALPL-related disorders; ALPL-related condition.

Allele frequency attached by ClinVar (database versions not stated): gnomAD exomes 0.00001; gnomAD 0.00002.
gnomAD v4.1: 23 of 1,613,882 alleles (0.0014%); highest among the groups gnomAD compares: Non-Finnish European, 0.00085%; no homozygotes.

Submissions (3):

Labcorp Genetics (formerly Invitae), Labcorp
Classification: Likely benign. Last evaluated: 2025-12-10. Review status: criteria provided, single submitter. Criteria: Invitae Variant Classification Sherloc (09022015). Collection method: clinical testing. Allele origin: germline.

CeGaT Center for Human Genetics Tuebingen
Classification: Likely benign. Last evaluated: 2025-11-01. Review status: criteria provided, single submitter. Criteria: CeGaT Center For Human Genetics Tuebingen Variant Classification Criteria Version 2. Collection method: clinical testing. Allele origin: germline. Affected: yes. Observed: 1 variant allele.
Comment: ALPL: BP4, BP7

Blueprint Genetics
Classification: Likely pathogenic for ALPL-related disorders. Last evaluated: 2021-12-13. Review status: criteria provided, single submitter. Criteria: ACMG Guidelines, 2015. Collection method: clinical testing. Allele origin: germline. Affected: yes. Observed: 2 variant alleles.